The following is an entry in ClinVar:

ClinVar aggregate classification (germline): Likely pathogenic (1 of 4 stars; one submission).

Conditions:
Congenital contractural arachnodactyly (CCA). Also called: Arthrogryposis, distal, type 9; BEALS SYNDROME; Beals-Hecht syndrome. Identifiers: Orphanet 115, MedGen C0220668, MONDO:0007363, OMIM 121050.

Allele frequency attached by ClinVar (database versions not stated): gnomAD 0.00001.
gnomAD v4.1: 1 of 1,613,926 alleles (0.000062%); highest among the groups gnomAD compares: African/African-American, 0.0013%; no homozygotes.

Submission:

Labcorp Genetics (formerly Invitae), Labcorp
Classification: Likely pathogenic for Congenital contractural arachnodactyly. Last evaluated: 2024-09-19. Review status: criteria provided, single submitter. Criteria: Invitae Variant Classification Sherloc (09022015). Collection method: clinical testing. Allele origin: germline.
Comment: This sequence change replaces cysteine, which is neutral and slightly polar, with tyrosine, which is neutral and polar, at codon 1174 of the FBN2 protein (p.Cys1174Tyr). This variant is not present in population databases (gnomAD no frequency). This missense change has been observed in individual(s) with clinical features of FBN2-related conditions (internal data). ClinVar contains an entry for this variant (Variation ID: 1346549). Invitae Evidence Modeling of protein sequence and biophysical properties (such as structural, functional, and spatial information, amino acid conservation, physicochemical variation, residue mobility, and thermodynamic stability) indicates that this missense variant is expected to disrupt FBN2 protein function with a positive predictive value of 80%. This variant affects a cysteine residue located within an epidermal growth factor (EGF)–like domain of the FBN2 protein. Cysteine residues in these domains are involved in the formation of disulfide bridges critical for protein structure and stability (PMID: 3495735, 4750422, 16677079). In addition, missense substitutions within the FBN2 EGF-like domains affecting cysteine residues are overrepresented in patients with congenital contractural arachnodactyly (PMID: 18767143). In summary, the currently available evidence indicates that the variant is pathogenic, but additional data are needed to prove that conclusively. Therefore, this variant has been classified as Likely Pathogenic.

Literature cited by the submitters: PubMed 3495735; PubMed 4750422; PubMed 16677079; PubMed 18767143.

NM_001999.4(FBN2):c.3521G>A (p.Cys1174Tyr)

Gene: FBN2 (fibrillin 2; minus strand). Cytogenetic location: 5q23.3.
Variant type: single nucleotide variant.
Coding change: c.3521G>A on transcript NM_001999.4 (MANE Select); coding-DNA position 3521, G replaced by A.
Protein change: p.Cys1174Tyr; replaces cysteine 1174 with tyrosine.
Molecular consequence: missense variant.
Genome position (GRCh38, 1-based): chr5:128,338,074, C>T on the plus strand (G>A on the coding strand, the complement: FBN2 is on the minus strand). VCF-style: chr5-128338074-C-T. GRCh37 (hg19) VCF-style: chr5-127673766-C-T.
Other names: short protein forms C1174Y.
Identifiers: ClinVar variation 1346549 (VCV001346549.6), dbSNP rs1581226080, ClinGen allele CA360759412.
Genomic context (GRCh38, chr5:128,338,074, plus strand): 5'-GATGGTGACAGCTCGTGTCCCAGTGGGCAGTCACACTGAAAGCTGCCCTCAGTGTTCACA[C>T]AGGTGCCACCCCTACAAAGGAGAGGGTTACGTTCACATTCGTCAATGTCTGAAAGGTAAA-3'
Protein context (NP_001990.2, residues 1164-1184): RNPLLCRGGT[Cys1174Tyr]VNTEGSFQCD